The following is an entry in ClinVar:

ClinVar aggregate classification (germline): Pathogenic (1 of 4 stars; one submission).

Conditions:
Mucopolysaccharidosis, MPS-II (MPS2). Also called: Hunter Syndrome; IDURONATE 2-SULFATASE DEFICIENCY; Mucopolysaccharidosis Type II; Mucopolysaccharidosis type 2; Attenuated MPS (subtype; formerly known as mild MPS II); Severe MPS II. Identifiers: Orphanet 580, Orphanet 79388, MedGen C0026705, MONDO:0010674, OMIM 309900.

Submission:

Laboratory of Diagnosis and Therapy of Lysosomal Disorders, University of Padova
Classification: Pathogenic for Mucopolysaccharidosis, MPS-II. Last evaluated: 2024-06-07. Review status: criteria provided, single submitter. Criteria: ACMG Guidelines, 2015. Collection method: literature only. Allele origin: germline. Affected: yes. Observed: 1 variant allele.
Comment: Null variant (PVS1_Strong), Absent from controls (or at low frequency) in gnomAD database (PM2_Moderate), Patient’s phenotype or family history highly specific for the disease (PP4_Strong)

Classification method: ACMG Guidelines [PMID:25741868] with modifications

Literature cited by the submitters: PubMed 36945845.

NM_000202.8(IDS):c.1152del (p.Phe384fs)

Genes: IDS (iduronate 2-sulfatase; minus strand), LOC106050102 (IDS recombination region; plus strand). Cytogenetic location: Xq28.
Variant type: Deletion.
Coding change: c.1152del on transcript NM_000202.8 (MANE Select); coding-DNA position 1152, one base deleted (T; older notation c.1152delT).
Protein change: p.Phe384fs; shifts the reading frame from phenylalanine 384.
Molecular consequence: frameshift variant.
Genome position (GRCh38, 1-based): chrX:149,486,953, A deleted on the plus strand (T on the coding strand, the reverse complement: IDS is on the minus strand); the first of 4 consecutive A bases (chrX:149,486,953-149,486,956); deleting any one gives the same sequence. VCF-style (leftmost placement, unchanged base first): chrX-149486952-CA-C. GRCh37 (hg19) VCF-style: chrX-148568483-CA-C.
Other names: c.882del, p.Phe294fs (NM_001166550.4); short protein forms F294fs, F384fs.
Identifiers: ClinVar variation 3255977 (VCV003255977.2).